The following is an entry in ClinVar:

ClinVar aggregate classification (germline): Pathogenic. Review status: criteria provided, multiple submitters, no conflicts (2 of 4 stars). 2 submissions from 2 submitters: Pathogenic (2). Last evaluated 2023-12-04.

Conditions:
Hereditary cancer-predisposing syndrome. Also called: Neoplastic Syndromes, Hereditary; Hereditary neoplastic syndrome; Hereditary Cancer Syndrome; Tumor predisposition. Identifiers: Orphanet 140162, MedGen C0027672, MeSH D009386, MONDO:0015356.

Submissions (2):

Ambry Genetics
Classification: Pathogenic for Hereditary cancer-predisposing syndrome. Last evaluated: 2023-12-04. Review status: criteria provided, single submitter. Criteria: Ambry Variant Classification Scheme 2023. Collection method: clinical testing. Allele origin: germline.
Comment: The c.350_351delGT variant, located in coding exon 5 of the RAD51D gene, results from a deletion of two nucleotides at nucleotide positions 350 to 351, causing a translational frameshift with a predicted alternate stop codon (p.C117Sfs*36). This alteration is expected to result in loss of function by premature protein truncation or nonsense-mediated mRNA decay. As such, this alteration is interpreted as a disease-causing mutation.

GeneDx
Classification: Pathogenic. Last evaluated: 2020-08-31. Review status: criteria provided, single submitter. Criteria: GeneDx Variant Classification Process June 2021. Collection method: clinical testing. Allele origin: germline. Affected: yes.
Comment: Frameshift variant predicted to result in protein truncation or nonsense mediated decay in a gene for which loss-of-function is a known mechanism of disease; Not observed in large population cohorts (Lek et al., 2016); Has not been previously published as pathogenic or benign to our knowledge

NM_002878.4(RAD51D):c.350_351del (p.Cys117fs)

Genes: RAD51L3-RFFL (RAD51L3-RFFL readthrough; minus strand), RAD51D (RAD51 paralog D; minus strand). Cytogenetic location: 17q12.
Variant type: Deletion.
Coding change: c.350_351del on transcript NM_002878.4 (MANE Select); coding-DNA positions 350 to 351, 2 bases deleted (GT; older notation c.350_351delGT).
Protein change: p.Cys117fs; shifts the reading frame from cysteine 117.
Molecular consequence: frameshift variant. On other transcripts: non-coding transcript variant (1), intron variant (1).
Genome position (GRCh38, 1-based): chr17:35,107,117-35,107,118, AC deleted on the plus strand (GT on the coding strand, the reverse complement: RAD51D is on the minus strand); deleting any 2 consecutive bases within chr17:35,107,117-35,107,119 gives the same sequence; the c. name uses the placement nearest the transcript's 3' end. VCF-style (leftmost placement, unchanged base first): chr17-35107116-GAC-G. GRCh37 (hg19) VCF-style: chr17-33434135-GAC-G.
Other names: c.410_411del, p.Cys137fs (NM_001142571.2); c.145-637_145-636del (NM_133629.3); short protein forms C117fs, C137fs.
Identifiers: ClinVar variation 1205391 (VCV001205391.5), dbSNP rs2142434009, ClinGen allele CA2499224277.